The following is an entry in ClinVar:

NM_002734.5(PRKAR1A):c.234G>C (p.Arg78Ser)

Gene: PRKAR1A (protein kinase cAMP-dependent type I regulatory subunit alpha; plus strand). Cytogenetic location: 17q24.2.
Variant type: single nucleotide variant.
Coding change: c.234G>C on transcript NM_002734.5 (MANE Select); coding-DNA position 234, G replaced by C.
Protein change: p.Arg78Ser; replaces arginine 78 with serine.
Molecular consequence: missense variant.
Genome position (GRCh38, 1-based): chr17:68,522,812, G>C. VCF-style: chr17-68522812-G-C. GRCh37 (hg19) VCF-style: chr17-66518953-G-C.
Other names: c.234G>C, p.Arg78Ser (NM_001276289.2, NM_001276290.1, NM_001278433.2 and 4 more transcripts); short protein forms R78S.
Identifiers: ClinVar variation 4674264 (VCV004674264.1).

ClinVar aggregate classification (germline): Uncertain significance (1 of 4 stars; one submission).

Conditions:
Hereditary cancer-predisposing syndrome. Also called: Neoplastic Syndromes, Hereditary; Tumor predisposition; Hereditary Cancer Syndrome; Hereditary neoplastic syndrome. Identifiers: Orphanet 140162, MedGen C0027672, MeSH D009386, MONDO:0015356.

Submission:

Ambry Genetics
Classification: Uncertain significance for Hereditary cancer-predisposing syndrome. Last evaluated: 2025-11-17. Review status: criteria provided, single submitter. Criteria: Ambry Variant Classification Scheme 2023. Collection method: clinical testing. Allele origin: germline.
Comment: The p.R78S variant (also known as c.234G>C), located in coding exon 2 of the PRKAR1A gene, results from a G to C substitution at nucleotide position 234. The arginine at codon 78 is replaced by serine, an amino acid with dissimilar properties. This amino acid position is well conserved in available vertebrate species. In addition, the in silico prediction for this alteration is inconclusive. Based on the available evidence, the clinical significance of this variant remains unclear.